The following is an entry in ClinVar:

NM_000256.3(MYBPC3):c.1255C>T (p.Arg419Cys)

Gene: MYBPC3 (myosin binding protein C3; minus strand). Cytogenetic location: 11p11.2.
Variant type: single nucleotide variant.
Coding change: c.1255C>T on transcript NM_000256.3 (MANE Select); coding-DNA position 1255, C replaced by T.
Protein change: p.Arg419Cys; replaces arginine 419 with cysteine.
Molecular consequence: missense variant.
Genome position (GRCh38, 1-based): chr11:47,343,117, G>A on the plus strand (C>T on the coding strand, the complement: MYBPC3 is on the minus strand). VCF-style: chr11-47343117-G-A. GRCh37 (hg19) VCF-style: chr11-47364668-G-A.
Other names: p.R419C:CGT>TGT; short protein forms R419C.
Identifiers: ClinVar variation 42516 (VCV000042516.30), dbSNP rs368770848, ClinGen allele CA009993.

ClinVar aggregate classification (germline): Uncertain significance. Review status: criteria provided, multiple submitters, no conflicts (2 of 4 stars). 10 submissions from 10 submitters: Uncertain significance (10). Last evaluated 2026-02-22.

Conditions:
MYBPC3-related disorder. Also called: MYBPC3-related disorders; MYBPC3-related condition; MYBPC3-related disease.
Cardiovascular phenotype. Identifiers: MedGen CN230736.
Cardiomyopathy (CMYO). Also called: Cardiomyopathies. Identifiers: Orphanet 167848, MedGen C0878544, MONDO:0004994, HP:0001638. Inheritance: Various modes of inheritance.
Hypertrophic cardiomyopathy. Also called: HYPERTROPHIC MYOCARDIOPATHY. Identifiers: Orphanet 217569, MedGen C0007194, MeSH D002312, MONDO:0005045, HP:0001639.

Allele frequency attached by ClinVar (database versions not stated): TOPMed 0.00006; ExAC 0.00001; gnomAD exomes 0.00002; gnomAD 0.00006.

Submissions (10):

PreventionGenetics, part of Exact Sciences
Classification: Uncertain significance for MYBPC3-related condition. Last evaluated: 2026-02-22. Review status: criteria provided, single submitter. Criteria: ACMG Guidelines, 2015. Collection method: clinical testing. Allele origin: germline.
Comment: The MYBPC3 c.1255C>T variant is predicted to result in the amino acid substitution p.Arg419Cys. This variant has been reported in an individual with dilated cardiomyopathy (DCM. van Lint et al. 2019. PubMed ID: 30847666). This variant is reported in 0.016% of alleles in individuals of East Asian descent in gnomAD. At this time, the clinical significance of this variant is uncertain due to the absence of conclusive functional and genetic evidence.

Labcorp Genetics (formerly Invitae), Labcorp
Classification: Uncertain significance for Hypertrophic cardiomyopathy. Last evaluated: 2025-11-18. Review status: criteria provided, single submitter. Criteria: Invitae Variant Classification Sherloc (09022015). Collection method: clinical testing. Allele origin: germline.
Comment: This sequence change replaces arginine, which is basic and polar, with cysteine, which is neutral and slightly polar, at codon 419 of the MYBPC3 protein (p.Arg419Cys). This variant is present in population databases (rs368770848, gnomAD 0.02%). This missense change has been observed in individual(s) with dilated cardiomyopathy and/or hypertrophic cardiomyopathy (PMID: 30847666, 36264615, 38473809, 39285490; internal data). ClinVar contains an entry for this variant (Variation ID: 42516). An algorithm developed to predict the effect of missense changes on protein structure and function (PolyPhen-2) suggests that this variant is likely to be disruptive. In summary, the available evidence is currently insufficient to determine the role of this variant in disease. Therefore, it has been classified as a Variant of Uncertain Significance.

Color Diagnostics, LLC DBA Color Health
Classification: Uncertain significance for Cardiomyopathy. Last evaluated: 2025-11-05. Review status: criteria provided, single submitter. Criteria: ACMG Guidelines, 2015. Collection method: clinical testing. Allele origin: germline.
Comment: This missense variant replaces arginine with cysteine at codon 419 of the MYBPC3 protein. Computational prediction suggests that this variant may not impact protein structure and function. To our knowledge, functional studies have not been reported for this variant. This variant has been reported in individuals affected with arrhythmogenic right ventricular cardiomyopathy (PMID: 30847666), dilated cardiomyopathy (PMID: 38473809), sudden cardiac death (PMID: 39285490), and sudden unexplained death (PMID: 32101375). This variant has been identified in 57/1611596 chromosomes in the general population by the Genome Aggregation Database (gnomAD). The available evidence is insufficient to determine the role of this variant in disease conclusively. Therefore, this variant is classified as a Variant of Uncertain Significance.

GeneDx
Classification: Uncertain significance. Last evaluated: 2025-07-15. Review status: criteria provided, single submitter. Criteria: GeneDx Variant Classification Process June 2021. Collection method: clinical testing. Allele origin: germline. Affected: yes.
Comment: Identified in patients with HCM, DCM, and sudden death in published literature (PMID: 36264615, 35629155, 32101375, 30847666); In silico analysis supports that this missense variant has a deleterious effect on protein structure/function; This variant is associated with the following publications: (PMID: 32101375, 36264615, 35629155, 30847666)

Blueprint Genetics
Classification: Uncertain significance. Last evaluated: 2024-09-13. Review status: criteria provided, single submitter. Criteria: ACMG Guidelines, 2015. Collection method: clinical testing. Allele origin: germline.

Women's Health and Genetics/Laboratory Corporation of America, LabCorp
Classification: Uncertain significance. Last evaluated: 2023-11-27. Review status: criteria provided, single submitter. Criteria: LabCorp Variant Classification Summary - May 2015. Collection method: clinical testing. Allele origin: germline.
Comment: Variant summary: MYBPC3 c.1255C>T (p.Arg419Cys) results in a non-conservative amino acid change located in the Immunoglobulin subtype 2 of the encoded protein sequence. Three of four in-silico tools predict a damaging effect of the variant on protein function. The variant allele was found at a frequency of 2.5e-05 in 243732 control chromosomes. The available data on variant occurrences in the general population are insufficient to allow any conclusion about variant significance. c.1255C>T has been reported in the literature in individuals affected with Cardiomyopathy (Van Lint_2019, Bourfiss_2022), without strong evidence for causality. These reports do not provide unequivocal conclusions about association of the variant with Cardiomyopathy. To our knowledge, no experimental evidence demonstrating an impact on protein function has been reported. The following publications have been ascertained in the context of this evaluation (PMID: 36264615, 35629155, 30847666). Four submitters have cited clinical-significance assessments for this variant to ClinVar after 2014. All submitters classified the variant as uncertain significance. Based on the evidence outlined above, the variant was classified as uncertain significance.

All of Us Research Program, National Institutes of Health
Classification: Uncertain significance for Hypertrophic cardiomyopathy. Last evaluated: 2023-10-27. Review status: criteria provided, single submitter. Criteria: ACMG Guidelines, 2015. Collection method: clinical testing. Allele origin: germline. Inheritance: Autosomal dominant inheritance. Observed: 3 variant alleles, 3 heterozygotes.
Comment: This missense variant replaces arginine with cysteine at codon 419 of the MYBPC3 protein. Computational prediction suggests that this variant may not impact protein structure and function (internally defined REVEL score threshold <= 0.5, PMID: 27666373). To our knowledge, functional studies have not been reported for this variant. This variant has been reported in an individual affected with arrhythmogenic right ventricular cardiomyopathy (PMID: 30847666) and in an individual affected with sudden unexplained death (PMID: 32101375). This variant has been identified in 8/275120 chromosomes in the general population by the Genome Aggregation Database (gnomAD). The available evidence is insufficient to determine the role of this variant in disease conclusively. Therefore, this variant is classified as a Variant of Uncertain Significance.

This study involves interpretation of variants in research participants for the purpose of population health screening. Participant phenotype was not available at the time of variant classification. Additional details can be found in publication PMID: 35346344, PMCID: PMC8962531

CHEO Genetics Diagnostic Laboratory, Children's Hospital of Eastern Ontario
Classification: Uncertain significance for Cardiomyopathy. Last evaluated: 2023-01-20. Review status: criteria provided, single submitter. Criteria: ACMG Guidelines, 2015. Collection method: clinical testing. Allele origin: germline.

Ambry Genetics
Classification: Uncertain significance for Cardiovascular phenotype. Last evaluated: 2021-11-08. Review status: criteria provided, single submitter. Criteria: Ambry Variant Classification Scheme 2023. Collection method: clinical testing. Allele origin: germline.

Laboratory for Molecular Medicine, Mass General Brigham Personalized Medicine
Classification: Uncertain significance. Last evaluated: 2012-11-07. Review status: criteria provided, single submitter. Criteria: LMM Criteria. Collection method: clinical testing. Allele origin: germline. Observed: 1 variant allele.
Comment: The Arg419Cys variant in MYBPC3 has not been reported in the literature nor prev iously identified by our laboratory. This variant has been identified in 1/8466 European American chromosomes from a broad population screened by the NHLBI Exom e Sequencing Project. Computational analyses (biochemical amino acid properties, conservation, AlignGVGD, PolyPhen2, and SIFT ) suggest that the Arg419Cys variant may impact the protein, though this informa tion is not predictive enough to determine pathogenicity. In summary, additional information is needed to fully assess the clinical significance of the Arg419Cy s variant. Of note, our laboratory has not detected any variants that meet curr ent criteria to be classified as likely pathogenic or pathogenic in >700 individ uals with DCM.

Literature cited by the submitters: PubMed 30847666 (cited by 4 submitters); PubMed 36264615 (cited by Labcorp Genetics (formerly Invitae), Labcorp and Women's Health and Genetics/Laboratory Corporation of America, LabCorp); PubMed 38473809 (cited by Labcorp Genetics (formerly Invitae), Labcorp and Color Diagnostics, LLC DBA Color Health); PubMed 39285490 (cited by Labcorp Genetics (formerly Invitae), Labcorp and Color Diagnostics, LLC DBA Color Health); PubMed 32101375 (cited by Color Diagnostics, LLC DBA Color Health and All of Us Research Program, National Institutes of Health); PubMed 35629155 (cited by Women's Health and Genetics/Laboratory Corporation of America, LabCorp).